The following is an entry in ClinVar:

NM_014336.5(AIPL1):c.1135G>C (p.Gly379Arg)

Gene: AIPL1 (AIP like 1 HSP90 co-chaperone; minus strand). Cytogenetic location: 17p13.2.
Variant type: single nucleotide variant.
Coding change: c.1135G>C on transcript NM_014336.5 (MANE Select); coding-DNA position 1135, G replaced by C.
Protein change: p.Gly379Arg; replaces glycine 379 with arginine.
Molecular consequence: missense variant. On other transcripts: 3 prime UTR variant (1).
Genome position (GRCh38, 1-based): chr17:6,425,480, C>G on the plus strand (G>C on the coding strand, the complement: AIPL1 is on the minus strand). VCF-style: chr17-6425480-C-G. GRCh37 (hg19) VCF-style: chr17-6328800-C-G.
Other names: c.946G>C, p.Gly316Arg (NM_001033054.3); c.955G>C, p.Gly319Arg (NM_001033055.3); c.1099G>C, p.Gly367Arg (NM_001285399.3); c.1069G>C, p.Gly357Arg (NM_001285400.3); c.1063G>C, p.Gly355Arg (NM_001285401.3); c.1018G>C, p.Gly340Arg (NM_001285402.2); c.*1106G>C (NM_001285403.4); c.1135G>C (NM_014336.3); short protein forms G316R, G319R, G355R, G367R, G379R, G357R, G340R.
Identifiers: ClinVar variation 2061389 (VCV002061389.5), dbSNP rs915044721, ClinGen allele CA287323645.

ClinVar aggregate classification (germline): Uncertain significance. Review status: criteria provided, multiple submitters, no conflicts (2 of 4 stars). 3 submissions from 3 submitters: Uncertain significance (3). Last evaluated 2026-05-26.

Conditions:
Inborn genetic diseases. Identifiers: MedGen C0950123, MeSH D030342.
Leber congenital amaurosis 4 (LCA4). Identifiers: MedGen C1858386, MONDO:0011458, OMIM 604393.

Submissions (3):

Ambry Genetics
Classification: Uncertain significance for Inborn genetic diseases. Last evaluated: 2026-05-26. Review status: criteria provided, single submitter. Criteria: Ambry Variant Classification Scheme 2023. Collection method: clinical testing. Allele origin: germline.

Blueprint Genetics
Classification: Uncertain significance. Last evaluated: 2022-10-31. Review status: criteria provided, single submitter. Criteria: ACMG Guidelines, 2015. Collection method: clinical testing. Allele origin: germline.

Labcorp Genetics (formerly Invitae), Labcorp
Classification: Uncertain significance for Leber congenital amaurosis 4. Last evaluated: 2022-08-22. Review status: criteria provided, single submitter. Criteria: Invitae Variant Classification Sherloc (09022015). Collection method: clinical testing. Allele origin: germline.
Comment: This sequence change replaces glycine, which is neutral and non-polar, with arginine, which is basic and polar, at codon 379 of the AIPL1 protein (p.Gly379Arg). This variant is present in population databases (no rsID available, gnomAD 0.01%). This variant has not been reported in the literature in individuals affected with AIPL1-related conditions. Algorithms developed to predict the effect of missense changes on protein structure and function are either unavailable or do not agree on the potential impact of this missense change (SIFT: "Deleterious"; PolyPhen-2: "Not Available"; Align-GVGD: "Class C0"). In summary, the available evidence is currently insufficient to determine the role of this variant in disease. Therefore, it has been classified as a Variant of Uncertain Significance.